The following is an entry in ClinVar:

NM_001873.4(CPE):c.1156A>G (p.Asn386Asp)

Gene: CPE (carboxypeptidase E; plus strand). Cytogenetic location: 4q32.3.
Variant type: single nucleotide variant.
Coding change: c.1156A>G on transcript NM_001873.4 (MANE Select); coding-DNA position 1156, A replaced by G.
Protein change: p.Asn386Asp; replaces asparagine 386 with aspartic acid.
Molecular consequence: missense variant.
Genome position (GRCh38, 1-based): chr4:165,493,213, A>G. VCF-style: chr4-165493213-A-G. GRCh37 (hg19) VCF-style: chr4-166414365-A-G.
Other names: c.1156A>G (NM_001873.3); short protein forms N386D.
Identifiers: ClinVar variation 4704638 (VCV004704638.2).

ClinVar aggregate classification (germline): Uncertain significance. Review status: criteria provided, multiple submitters, no conflicts (2 of 4 stars). 2 submissions from 2 submitters: Uncertain significance (2). Last evaluated 2025-12-23.

Conditions:
CPE-related disorder. Also called: CPE-related condition.

gnomAD v4.1: 5 of 1,614,162 alleles (0.00031%); highest among the groups gnomAD compares: Non-Finnish European, 0.00034%; no homozygotes.

Submissions (2):

PreventionGenetics, part of Exact Sciences
Classification: Uncertain significance for CPE-related condition. Last evaluated: 2025-12-23. Review status: criteria provided, single submitter. Criteria: ACMG Guidelines, 2015. Collection method: clinical testing. Allele origin: germline.
Comment: The CPE c.1156A>G variant is predicted to result in the amino acid substitution p.Asn386Asp. To our knowledge, this variant has not been reported in the literature or in a large population database (gnomAD), indicating this variant is rare. At this time, the clinical significance of this variant is uncertain due to the absence of conclusive functional and genetic evidence.

Labcorp Genetics (formerly Invitae), Labcorp
Classification: Uncertain significance. Last evaluated: 2025-07-01. Review status: criteria provided, single submitter. Criteria: Invitae Variant Classification Sherloc (09022015). Collection method: clinical testing. Allele origin: germline.
Comment: This sequence change replaces asparagine, which is neutral and polar, with aspartic acid, which is acidic and polar, at codon 386 of the CPE protein (p.Asn386Asp). This variant is not present in population databases (gnomAD no frequency). This variant has not been reported in the literature in individuals affected with CPE-related conditions. An algorithm developed to predict the effect of missense changes on protein structure and function (PolyPhen-2) suggests that this variant is likely to be tolerated. In summary, the available evidence is currently insufficient to determine the role of this variant in disease. Therefore, it has been classified as a Variant of Uncertain Significance.